The following is an entry in ClinVar:

NM_001206979.2(NR1H4):c.91G>T (p.Glu31Ter)

Gene: NR1H4 (nuclear receptor subfamily 1 group H member 4; plus strand). Cytogenetic location: 12q23.1.
Variant type: single nucleotide variant.
Coding change: c.91G>T on transcript NM_001206979.2 (MANE Select); coding-DNA position 91, G replaced by T.
Protein change: p.Glu31Ter; replaces glutamic acid 31 with a stop codon.
Molecular consequence: nonsense. On other transcripts: non-coding transcript variant (1).
Genome position (GRCh38, 1-based): chr12:100,510,789, G>T. VCF-style: chr12-100510789-G-T. GRCh37 (hg19) VCF-style: chr12-100904567-G-T.
Other names: p.Glu31*; c.91G>T, p.Glu31Ter (NM_001206977.2, NM_001206978.2, NM_005123.4); c.121G>T, p.Glu41Ter (NM_001206992.2, NM_001206993.2); short protein forms E31*, E41*.
Identifiers: ClinVar variation 1691436 (VCV001691436.5), dbSNP rs753528227, ClinGen allele CA6739181.

ClinVar aggregate classification (germline): Likely pathogenic (1 of 4 stars; one submission).

Allele frequency attached by ClinVar (database versions not stated): gnomAD exomes below 0.00001; ExAC 0.00001.

Submission:

Mayo Clinic Laboratories, Mayo Clinic
Classification: Likely pathogenic. Last evaluated: 2021-11-24. Review status: criteria provided, single submitter. Criteria: ACMG Guidelines, 2015. Collection method: clinical testing. Allele origin: germline.
Comment: PM2, PVS1